The following is an entry in ClinVar:

ClinVar aggregate classification (germline): Benign (0 of 4 stars; one submission).

Conditions:
MAP7D3-related disorder. Also called: MAP7D3-related condition.

Allele frequency attached by ClinVar (database versions not stated): gnomAD exomes 0.00024; ExAC 0.00092; gnomAD 0.00195; ESP Exome Variant Server 0.00222; TOPMed 0.00238; 1000 Genomes Project 0.00265; 1000 Genomes Project 30x 0.00312.
gnomAD v4.1: 494 of 1,208,962 alleles (0.041%); highest among the groups gnomAD compares: African/African-American, 0.59%; no homozygotes.

Submission:

PreventionGenetics, part of Exact Sciences
Classification: Benign for MAP7D3-related condition. Last evaluated: 2019-03-21. Review status: no assertion criteria provided. Collection method: clinical testing. Allele origin: germline.
Comment: This variant is classified as benign based on ACMG/AMP sequence variant interpretation guidelines (Richards et al. 2015 PMID: 25741868, with internal and published modifications).

NM_024597.4(MAP7D3):c.1192C>G (p.Leu398Val)

Gene: MAP7D3 (MAP7 domain containing 3; minus strand). Cytogenetic location: Xq26.3.
Variant type: single nucleotide variant.
Coding change: c.1192C>G on transcript NM_024597.4 (MANE Select); coding-DNA position 1192, C replaced by G.
Protein change: p.Leu398Val; replaces leucine 398 with valine.
Molecular consequence: missense variant.
Genome position (GRCh38, 1-based): chrX:136,231,765, G>C on the plus strand (C>G on the coding strand, the complement: MAP7D3 is on the minus strand). VCF-style: chrX-136231765-G-C. GRCh37 (hg19) VCF-style: chrX-135313924-G-C.
Other names: c.1138C>G, p.Leu380Val (NM_001173516.1); c.1087C>G, p.Leu363Val (NM_001173517.2); short protein forms L363V, L380V, L398V.
Identifiers: ClinVar variation 3039888 (VCV003039888.2), dbSNP rs61736704, ClinGen allele CA10525551.